The following is an entry in ClinVar:

ClinVar aggregate classification (germline): Conflicting classifications of pathogenicity. Review status: criteria provided, conflicting classifications (1 of 4 stars). 4 submissions from 4 submitters: Uncertain significance (2); Likely benign (1). 1 of the submissions does not count toward it. Last evaluated 2024-10-07.

Conditions:
Hereditary breast ovarian cancer syndrome. Also called: Breast and ovarian cancer; Hereditary breast and ovarian cancer; Hereditary breast and ovarian cancer syndrome; BRCA1- and BRCA2-Associated Hereditary Breast and Ovarian Cancer; Hereditary breast and ovarian cancer syndrome (HBOC); Hereditary breast and/or ovarian cancer syndrome. Identifiers: Orphanet 145, MedGen C0677776, MeSH D061325, MONDO:0003582. Disease mechanism: loss of function.
Hereditary cancer-predisposing syndrome. Also called: Tumor predisposition; Hereditary Cancer Syndrome; Neoplastic Syndromes, Hereditary; Hereditary neoplastic syndrome. Identifiers: Orphanet 140162, MedGen C0027672, MeSH D009386, MONDO:0015356.
Breast-ovarian cancer, familial, susceptibility to, 2 (BROVCA2). Also called: BRCA2 Hereditary Breast and Ovarian Cancer. Identifiers: Orphanet 145, MedGen C2675520, MONDO:0012933, OMIM 612555. Disease mechanism: loss of function.

Allele frequency attached by ClinVar (database versions not stated): gnomAD exomes below 0.00001.
gnomAD v4.1: 1 of 1,598,738 alleles (0.000063%); highest among the groups gnomAD compares: Admixed American, 0.0017%; no homozygotes.

Submissions (4):

Labcorp Genetics (formerly Invitae), Labcorp
Classification: Uncertain significance for Hereditary breast ovarian cancer syndrome. Last evaluated: 2024-10-07. Review status: criteria provided, single submitter. Criteria: Invitae Variant Classification Sherloc (09022015). Collection method: clinical testing. Allele origin: germline.
Comment: This sequence change replaces serine, which is neutral and polar, with glycine, which is neutral and non-polar, at codon 1432 of the BRCA2 protein (p.Ser1432Gly). This variant is not present in population databases (gnomAD no frequency). This variant has not been reported in the literature in individuals affected with BRCA2-related conditions. ClinVar contains an entry for this variant (Variation ID: 91819). Invitae Evidence Modeling of protein sequence and biophysical properties (such as structural, functional, and spatial information, amino acid conservation, physicochemical variation, residue mobility, and thermodynamic stability) indicates that this missense variant is not expected to disrupt BRCA2 protein function with a negative predictive value of 95%. In summary, the available evidence is currently insufficient to determine the role of this variant in disease. Therefore, it has been classified as a Variant of Uncertain Significance.

Ambry Genetics
Classification: Uncertain significance for Hereditary cancer-predisposing syndrome. Last evaluated: 2024-04-24. Review status: criteria provided, single submitter. Criteria: Ambry Variant Classification Scheme 2023. Collection method: clinical testing. Allele origin: germline.
Comment: The p.S1432G variant (also known as c.4294A>G), located in coding exon 10 of the BRCA2 gene, results from an A to G substitution at nucleotide position 4294. The serine at codon 1432 is replaced by glycine, an amino acid with similar properties. This amino acid position is not well conserved in available vertebrate species. In addition, the in silico prediction for this alteration is inconclusive. Based on the available evidence, the clinical significance of this variant remains unclear.

University of Washington Department of Laboratory Medicine, University of Washington
Classification: Likely benign for Hereditary cancer-predisposing syndrome. Last evaluated: 2023-03-23. Review status: criteria provided, single submitter. Criteria: Dines et al. (Genet Med. 2020). Collection method: curation. Allele origin: germline.
Comment: Missense variant in a coldspot region where missense variants are very unlikely to be pathogenic (PMID:31911673).

BRCA2 exon 11 coldspot. Reclassification based on statistical prior probability.

Sharing Clinical Reports Project (SCRP)
Classification: Uncertain significance for Breast-ovarian cancer, familial 2. Last evaluated: 2011-02-25. Review status: no assertion criteria provided. Collection method: clinical testing. Allele origin: germline. Not counted in ClinVar's aggregate classification.

NM_000059.4(BRCA2):c.4294A>G (p.Ser1432Gly)

Gene: BRCA2 (BRCA2 DNA repair associated; plus strand). Cytogenetic location: 13q13.1.
Variant type: single nucleotide variant.
Coding change: c.4294A>G on transcript NM_000059.4 (MANE Select); coding-DNA position 4294, A replaced by G.
Protein change: p.Ser1432Gly; replaces serine 1432 with glycine.
Molecular consequence: missense variant.
Genome position (GRCh38, 1-based): chr13:32,338,649, A>G. VCF-style: chr13-32338649-A-G. GRCh37 (hg19) VCF-style: chr13-32912786-A-G.
Other names: S1432G; 4522A>G; c.4294A>G, p.Ser1432Gly (NM_001406719.1, NM_001406720.1).
Identifiers: ClinVar variation 91819 (VCV000091819.10), dbSNP rs398122781, ClinGen allele CA019930.
Genomic context (GRCh38, chr13:32,338,649, plus strand): 5'-ACTAAAACGGAGCAAAATATAAAAGATTTTGAGACTTCTGATACATTTTTTCAGACTGCA[A>G]GTGGGAAAAATATTAGTGTCGCCAAAGAGTCATTTAATAAAATTGTAAATTTCTTTGATC-3'
Protein context (NP_000050.3, residues 1422-1442): ETSDTFFQTA[Ser1432Gly]GKNISVAKES